The following is an entry in ClinVar:

NM_024642.5(GALNT12):c.277C>A (p.Leu93Met)

Gene: GALNT12 (polypeptide N-acetylgalactosaminyltransferase 12; plus strand). Cytogenetic location: 9q22.33.
Variant type: single nucleotide variant.
Coding change: c.277C>A on transcript NM_024642.5 (MANE Select); coding-DNA position 277, C replaced by A.
Protein change: p.Leu93Met; replaces leucine 93 with methionine.
Molecular consequence: missense variant.
Genome position (GRCh38, 1-based): chr9:98,807,975, C>A. VCF-style: chr9-98807975-C-A. GRCh37 (hg19) VCF-style: chr9-101570257-C-A.
Other names: short protein forms L93M.
Identifiers: ClinVar variation 4826980 (VCV004826980.1).

ClinVar aggregate classification (germline): Uncertain significance (1 of 4 stars; one submission).

gnomAD v4.1: 1 of 1,486,150 alleles (0.000067%); highest among the groups gnomAD compares: South Asian, 0.0013%; no homozygotes.

Submission:

Ambry Genetics
Classification: Uncertain significance. Last evaluated: 2026-02-24. Review status: criteria provided, single submitter. Criteria: Ambry Variant Classification Scheme 2023. Collection method: clinical testing. Allele origin: germline.
Comment: The p.L93M variant (also known as c.277C>A), located in coding exon 1 of the GALNT12 gene, results from a C to A substitution at nucleotide position 277. The leucine at codon 93 is replaced by methionine, an amino acid with highly similar properties. This amino acid position is conserved. In addition, this alteration is predicted to be tolerated by in silico analysis. Based on the available evidence, the clinical significance of this variant remains unclear.